The following is an entry in ClinVar:

NM_020693.4(DSCAML1):c.1528G>C (p.Ala510Pro)

Gene: DSCAML1 (DS cell adhesion molecule like 1; minus strand). Cytogenetic location: 11q23.3.
Variant type: single nucleotide variant.
Coding change: c.1528G>C on transcript NM_020693.4 (MANE Select); coding-DNA position 1528, G replaced by C.
Protein change: p.Ala510Pro; replaces alanine 510 with proline.
Molecular consequence: missense variant.
Genome position (GRCh38, 1-based): chr11:117,516,722, C>G on the plus strand (G>C on the coding strand, the complement: DSCAML1 is on the minus strand). VCF-style: chr11-117516722-C-G. GRCh37 (hg19) VCF-style: chr11-117387437-C-G.
Other names: c.1528G>C, p.Ala510Pro (NM_001367904.1); short protein forms A510P.
Identifiers: ClinVar variation 2143468 (VCV002143468.4), dbSNP rs139476637, ClinGen allele CA6297229.

ClinVar aggregate classification (germline): Uncertain significance (1 of 4 stars; one submission).

Allele frequency attached by ClinVar (database versions not stated): TOPMed 0.00006; ESP Exome Variant Server 0.00015; ExAC 0.00002; gnomAD 0.00003.
gnomAD v4.1: 12 of 1,612,992 alleles (0.00074%); highest among the groups gnomAD compares: African/African-American, 0.013%; no homozygotes.

Submission:

Labcorp Genetics (formerly Invitae), Labcorp
Classification: Uncertain significance. Last evaluated: 2024-10-16. Review status: criteria provided, single submitter. Criteria: Invitae Variant Classification Sherloc (09022015). Collection method: clinical testing. Allele origin: germline.
Comment: This sequence change replaces alanine, which is neutral and non-polar, with proline, which is neutral and non-polar, at codon 570 of the DSCAML1 protein (p.Ala570Pro). This variant is present in population databases (rs139476637, gnomAD 0.03%). This variant has not been reported in the literature in individuals affected with DSCAML1-related conditions. ClinVar contains an entry for this variant (Variation ID: 2143468). An algorithm developed to predict the effect of missense changes on protein structure and function (PolyPhen-2) suggests that this variant is likely to be tolerated. In summary, the available evidence is currently insufficient to determine the role of this variant in disease. Therefore, it has been classified as a Variant of Uncertain Significance.